The following is an entry in ClinVar:

NM_032634.4(PIGO):c.1273_1276del (p.Ile425fs)

Gene: PIGO (phosphatidylinositol glycan anchor biosynthesis class O; minus strand). Cytogenetic location: 9p13.3.
Variant type: Deletion.
Coding change: c.1273_1276del on transcript NM_032634.4 (MANE Select); coding-DNA positions 1273 to 1276, 4 bases deleted (ATTG; older notation c.1273_1276delATTG).
Protein change: p.Ile425fs; shifts the reading frame from isoleucine 425.
Molecular consequence: frameshift variant.
Genome position (GRCh38, 1-based): chr9:35,092,611-35,092,614, CAAT deleted on the plus strand (ATTG on the coding strand, the reverse complement: PIGO is on the minus strand); deleting any 4 consecutive bases within chr9:35,092,611-35,092,616 gives the same sequence; the c. name uses the placement nearest the transcript's 3' end. VCF-style (leftmost placement, unchanged base first): chr9-35092610-GCAAT-G. GRCh37 (hg19) VCF-style: chr9-35092607-GCAAT-G.
Other names: c.1273_1276del, p.Ile425fs (NM_001201484.2, NM_152850.4); short protein forms I425fs.
Identifiers: ClinVar variation 4293562 (VCV004293562.1).

ClinVar aggregate classification (germline): Likely pathogenic (1 of 4 stars; one submission).

Conditions:
Hyperphosphatasia with impaired intellectual development syndrome 2. Also called: GLYCOSYLPHOSPHATIDYLINOSITOL BIOSYNTHESIS DEFECT 6; Hyperphosphatasia with intellectual disability syndrome 2. Identifiers: Orphanet 247262, MedGen C3553637, MONDO:0013882, OMIM 614749.

Submission:

3billion
Classification: Likely pathogenic for Hyperphosphatasia with impaired intellectual development syndrome 2. Last evaluated: 2024-07-02. Review status: criteria provided, single submitter. Criteria: ACMG Guidelines, 2015. Collection method: clinical testing. Allele origin: germline. Affected: yes.
Comment: The variant is not observed in the gnomAD v4.0.0 dataset. Predicted Consequence/Location: Frameshift: predicted to result in a loss or disruption of normal protein function through nonsense-mediated decay (NMD) or protein truncation. Multiple pathogenic variants are reported downstream of the variant. Therefore, this variant is classified as Likely pathogenic according to the recommendation of ACMG/AMP guideline.